The following is an entry in ClinVar:

NM_000283.4(PDE6B):c.387G>T (p.Glu129Asp)

Gene: PDE6B (phosphodiesterase 6B; plus strand). Cytogenetic location: 4p16.3.
Variant type: single nucleotide variant.
Coding change: c.387G>T on transcript NM_000283.4 (MANE Select); coding-DNA position 387, G replaced by T.
Protein change: p.Glu129Asp; replaces glutamic acid 129 with aspartic acid.
Molecular consequence: missense variant.
Genome position (GRCh38, 1-based): chr4:626,013, G>T. VCF-style: chr4-626013-G-T. GRCh37 (hg19) VCF-style: chr4-619802-G-T.
Other names: c.387G>T, p.Glu129Asp (NM_001145291.2); short protein forms E129D.
Identifiers: ClinVar variation 349293 (VCV000349293.8), dbSNP rs752303143, ClinGen allele CA2793928.

ClinVar aggregate classification (germline): Uncertain significance. Review status: criteria provided, multiple submitters, no conflicts (2 of 4 stars). 3 submissions from 2 submitters: Uncertain significance (3). Last evaluated 2023-10-02.

Conditions:
Congenital stationary night blindness autosomal dominant 2. Also called: NIGHT BLINDNESS, CONGENITAL STATIONARY, RAMBUSCH TYPE. Identifiers: Orphanet 215, MedGen C1876182, MONDO:0008099, OMIM 163500.
Retinitis pigmentosa (RP). Identifiers: Orphanet 791, MedGen C0035334, MeSH D012174, MONDO:0019200, OMIM 268000. Inheritance: Autosomal dominant, autosomal recessive and X linked inheritance.

Allele frequency attached by ClinVar (database versions not stated): ExAC below 0.00001; TOPMed 0.00001; gnomAD exomes 0.00003.

Submissions (3):

Labcorp Genetics (formerly Invitae), Labcorp
Classification: Uncertain significance. Last evaluated: 2023-10-02. Review status: criteria provided, single submitter. Criteria: Invitae Variant Classification Sherloc (09022015). Collection method: clinical testing. Allele origin: germline.
Comment: This sequence change replaces glutamic acid, which is acidic and polar, with aspartic acid, which is acidic and polar, at codon 129 of the PDE6B protein (p.Glu129Asp). This variant is present in population databases (rs752303143, gnomAD 0.05%). This variant has not been reported in the literature in individuals affected with PDE6B-related conditions. ClinVar contains an entry for this variant (Variation ID: 349293). Advanced modeling of protein sequence and biophysical properties (such as structural, functional, and spatial information, amino acid conservation, physicochemical variation, residue mobility, and thermodynamic stability) has been performed at Invitae for this missense variant, however the output from this modeling did not meet the statistical confidence thresholds required to predict the impact of this variant on PDE6B protein function. This variant disrupts the p.Glu129 amino acid residue in PDE6B. Other variant(s) that disrupt this residue have been determined to be pathogenic (PMID: 30029497, 30718709, 31630094, 33090715). This suggests that this residue is clinically significant, and that variants that disrupt this residue are likely to be disease-causing. In summary, the available evidence is currently insufficient to determine the role of this variant in disease. Therefore, it has been classified as a Variant of Uncertain Significance.

Illumina Laboratory Services, Illumina
Classification: Uncertain significance for Retinitis pigmentosa. Last evaluated: 2018-01-12. Review status: criteria provided, single submitter. Criteria: ICSL Variant Classification Criteria 13 December 2019. Collection method: clinical testing. Allele origin: germline.

Illumina Laboratory Services, Illumina
Classification: Uncertain significance for Congenital stationary night blindness autosomal dominant 2. Last evaluated: 2018-01-12. Review status: criteria provided, single submitter. Criteria: ICSL Variant Classification Criteria 13 December 2019. Collection method: clinical testing. Allele origin: germline.

Literature cited by the submitters: PubMed 30029497 (cited by Labcorp Genetics (formerly Invitae), Labcorp); PubMed 30718709 (cited by Labcorp Genetics (formerly Invitae), Labcorp); PubMed 31630094 (cited by Labcorp Genetics (formerly Invitae), Labcorp); PubMed 33090715 (cited by Labcorp Genetics (formerly Invitae), Labcorp).